The following is an entry in ClinVar:

ClinVar aggregate classification (germline): Likely benign (0 of 4 stars; one submission).

Conditions:
TRAF7-related disorder. Also called: TRAF7-related condition.

Allele frequency attached by ClinVar (database versions not stated): ESP Exome Variant Server 0.00008; ExAC 0.00051.
gnomAD v4.1: 147 of 1,611,622 alleles (0.0091%); highest among the groups gnomAD compares: Admixed American, 0.22%; no homozygotes.

Submission:

PreventionGenetics, part of Exact Sciences
Classification: Likely benign for TRAF7-related condition. Last evaluated: 2021-08-17. Review status: no assertion criteria provided. Collection method: clinical testing. Allele origin: germline.
Comment: This variant is classified as likely benign based on ACMG/AMP sequence variant interpretation guidelines (Richards et al. 2015 PMID: 25741868, with internal and published modifications).

NM_032271.3(TRAF7):c.825C>T (p.Tyr275=)

Gene: TRAF7 (TNF receptor associated factor 7; plus strand). Cytogenetic location: 16p13.3.
Variant type: single nucleotide variant.
Coding change: c.825C>T on transcript NM_032271.3 (MANE Select); coding-DNA position 825, C replaced by T.
Protein change: p.Tyr275=; no amino-acid change (tyrosine 275 retained).
Molecular consequence: synonymous variant.
Genome position (GRCh38, 1-based): chr16:2,173,212, C>T. VCF-style: chr16-2173212-C-T. GRCh37 (hg19) VCF-style: chr16-2223213-C-T.
Identifiers: ClinVar variation 3046630 (VCV003046630.2), dbSNP rs373436400, ClinGen allele CA7834735.